The following is an entry in ClinVar:

NM_001174147.2(LMX1B):c.661C>T (p.Arg221Ter)

Gene: LMX1B (LIM homeobox transcription factor 1 beta; plus strand). Cytogenetic location: 9q33.3.
Variant type: single nucleotide variant.
Coding change: c.661C>T on transcript NM_001174147.2 (MANE Select); coding-DNA position 661, C replaced by T.
Protein change: p.Arg221Ter; replaces arginine 221 with a stop codon.
Molecular consequence: nonsense.
Genome position (GRCh38, 1-based): chr9:126,693,243, C>T. VCF-style: chr9-126693243-C-T. GRCh37 (hg19) VCF-style: chr9-129455522-C-T.
Other names: c.661C>T, p.Arg221Ter (NM_001174146.2, NM_002316.4); c.661C>T (NM_002316.3); short protein forms R221*.
Identifiers: ClinVar variation 7001 (VCV000007001.15), dbSNP rs121909487, ClinGen allele CA254044.

ClinVar aggregate classification (germline): Pathogenic. Review status: criteria provided, multiple submitters, no conflicts (2 of 4 stars). 5 submissions from 5 submitters: Pathogenic (4). 1 of the submissions does not count toward it. Last evaluated 2025-12-08.

Conditions:
Nail-patella syndrome (NPS). Also called: TURNER-KIESER SYNDROME; FONG DISEASE; ONYCHOOSTEODYSPLASIA. Identifiers: Orphanet 2614, MedGen C0027341, MONDO:0008061, OMIM 161200.

Submissions (5):

3billion
Classification: Pathogenic for Nail-patella syndrome. Last evaluated: 2025-12-08. Review status: criteria provided, single submitter. Criteria: ACMG Guidelines, 2015. Collection method: clinical testing. Allele origin: germline. Affected: yes.
Comment: The variant is not observed in the gnomAD v4.1.0 dataset. Predicted Consequence/Location: Stop-gained (nonsense): predicted to result in a loss or disruption of normal protein function through nonsense-mediated decay (NMD) or protein truncation. Multiple pathogenic variants are reported downstream of the variant. The variant has been reported at least twice as pathogenic with clinical assertions and evidence for the classification (ClinVar ID: VCV000007001 /PMID: 9590287). Therefore, this variant is classified as Pathogenic according to the recommendation of ACMG/AMP guideline.

Labcorp Genetics (formerly Invitae), Labcorp
Classification: Pathogenic. Last evaluated: 2025-03-19. Review status: criteria provided, single submitter. Criteria: Invitae Variant Classification Sherloc (09022015). Collection method: clinical testing. Allele origin: germline.
Comment: This sequence change creates a premature translational stop signal (p.Arg221*) in the LMX1B gene. It is expected to result in an absent or disrupted protein product. Loss-of-function variants in LMX1B are known to be pathogenic (PMID: 9590287, 15498463). This variant is not present in population databases (gnomAD no frequency). This premature translational stop signal has been observed in individual(s) with nail-patella syndrome (PMID: 9590287, 24720768). In at least one individual the variant was observed to be de novo. It has also been observed to segregate with disease in related individuals. ClinVar contains an entry for this variant (Variation ID: 7001). For these reasons, this variant has been classified as Pathogenic.

GeneDx
Classification: Pathogenic. Last evaluated: 2025-01-22. Review status: criteria provided, single submitter. Criteria: GeneDx Variant Classification Process June 2021. Collection method: clinical testing. Allele origin: germline. Affected: yes.
Comment: Published functional studies demonstrate a damaging effect with less nuclear localization and higher stability than the wild-type (PMID: 24720768); Nonsense variant predicted to result in protein truncation or nonsense mediated decay in a gene for which loss of function is a known mechanism of disease; Not observed at significant frequency in large population cohorts (gnomAD); Also known as p.R198X in published literature (PMID: 9590287, 24720768); This variant is associated with the following publications: (PMID: 25898926, 38702915, 24720768, 9590287)

Juno Genomics, Hangzhou Juno Genomics, Inc
Classification: Pathogenic for Nail-patella syndrome. Review status: criteria provided, single submitter. Criteria: ACMG Guidelines, 2015. Collection method: clinical testing. Allele origin: germline. Affected: yes.
Comment: Absent from controls (or at extremely low frequency if recessive) in Genome Aggregation Database, Exome Sequencing Project, 1000 Genomes Project, or Exome Aggregation Consortium.;Null variant in a gene where loss of function (LOF) is a known mechanism of disease.;The prevalence of the variant in affected individuals is significantly increased compared to the prevalence in controls.;Patient's phenotype or family history is highly specific for a disease with a single genetic etiology.

OMIM
Classification: Pathogenic for NAIL-PATELLA SYNDROME. Last evaluated: 1998-05-01. Review status: no assertion criteria provided. Collection method: literature only. Allele origin: germline. Not counted in ClinVar's aggregate classification.

Literature cited by the submitters: PubMed 9590287 (cited by 3 submitters); PubMed 15498463 (cited by Labcorp Genetics (formerly Invitae), Labcorp and OMIM); PubMed 24720768 (cited by Labcorp Genetics (formerly Invitae), Labcorp).